The following is an entry in ClinVar:

ClinVar aggregate classification (germline): Uncertain significance (1 of 4 stars; one submission).

Submission:

GeneDx
Classification: Uncertain significance. Last evaluated: 2024-02-08. Review status: criteria provided, single submitter. Criteria: GeneDx Variant Classification Process June 2021. Collection method: clinical testing. Allele origin: germline. Affected: yes.
Comment: Not observed at significant frequency in large population cohorts (gnomAD); In silico analysis supports that this missense variant does not alter protein structure/function; Has not been previously published as pathogenic or benign to our knowledge

NM_020719.3(PRR12):c.3710G>A (p.Gly1237Asp)

Gene: PRR12 (proline rich 12; plus strand). Cytogenetic location: 19q13.33.
Variant type: single nucleotide variant.
Coding change: c.3710G>A on transcript NM_020719.3 (MANE Select); coding-DNA position 3710, G replaced by A.
Protein change: p.Gly1237Asp; replaces glycine 1237 with aspartic acid.
Molecular consequence: missense variant.
Genome position (GRCh38, 1-based): chr19:49,599,303, G>A. VCF-style: chr19-49599303-G-A. GRCh37 (hg19) VCF-style: chr19-50102560-G-A.
Other names: short protein forms G1237D.
Identifiers: ClinVar variation 3369076 (VCV003369076.1).